The following is an entry in ClinVar:

NM_000136.3(FANCC):c.918T>G (p.Asp306Glu)

Genes: AOPEP (aminopeptidase O (putative); plus strand), FANCC (FA complementation group C; minus strand). Cytogenetic location: 9q22.32.
Variant type: single nucleotide variant.
Coding change: c.918T>G on transcript NM_000136.3 (MANE Select); coding-DNA position 918, T replaced by G.
Protein change: p.Asp306Glu; replaces aspartic acid 306 with glutamic acid.
Molecular consequence: missense variant.
Genome position (GRCh38, 1-based): chr9:95,125,164, A>C on the plus strand (T>G on the coding strand, the complement: FANCC is on the minus strand). VCF-style: chr9-95125164-A-C. GRCh37 (hg19) VCF-style: chr9-97887446-A-C.
Other names: c.918T>G, p.Asp306Glu (NM_001243743.2, NM_001243744.2); short protein forms D306E.
Identifiers: ClinVar variation 567997 (VCV000567997.8), dbSNP rs1564665867, ClinGen allele CA374108992.

ClinVar aggregate classification (germline): Uncertain significance (1 of 4 stars; one submission).

Conditions:
Fanconi anemia (FA). Also called: Fanconi's anemia. Identifiers: Orphanet 84, MedGen C0015625, MeSH D005199, MONDO:0019391.

Allele frequency attached by ClinVar (database versions not stated): gnomAD exomes below 0.00001.
gnomAD v4.1: 1 of 1,614,216 alleles (0.000062%); highest among the groups gnomAD compares: Non-Finnish European, 0.000085%; no homozygotes.

Submission:

Labcorp Genetics (formerly Invitae), Labcorp
Classification: Uncertain significance for Fanconi anemia. Last evaluated: 2018-04-02. Review status: criteria provided, single submitter. Criteria: Invitae Variant Classification Sherloc (09022015). Collection method: clinical testing. Allele origin: germline.
Comment: This sequence change replaces aspartic acid with glutamic acid at codon 306 of the FANCC protein (p.Asp306Glu). The aspartic acid residue is highly conserved and there is a small physicochemical difference between aspartic acid and glutamic acid. This variant is not present in population databases (ExAC no frequency). This variant has not been reported in the literature in individuals with FANCC-related disease. Algorithms developed to predict the effect of missense changes on protein structure and function output the following: SIFT: "Tolerated"; PolyPhen-2: "Benign"; Align-GVGD: "Class C0". The glutamic acid amino acid residue is found in multiple mammalian species, suggesting that this missense change does not adversely affect protein function. These predictions have not been confirmed by published functional studies and their clinical significance is uncertain. In summary, the available evidence is currently insufficient to determine the role of this variant in disease. Therefore, it has been classified as a Variant of Uncertain Significance.